The following is an entry in ClinVar:

NM_001387430.1(SH2B1):c.2182A>G (p.Met728Val)

Gene: SH2B1 (SH2B adaptor protein 1; plus strand). Cytogenetic location: 16p11.2.
Variant type: single nucleotide variant.
Coding change: c.2182A>G on transcript NM_001387430.1 (MANE Select); coding-DNA position 2182, A replaced by G.
Protein change: p.Met728Val; replaces methionine 728 with valine.
Molecular consequence: missense variant. On other transcripts: 3 prime UTR variant (5).
Genome position (GRCh38, 1-based): chr16:28,873,731, A>G. VCF-style: chr16-28873731-A-G. GRCh37 (hg19) VCF-style: chr16-28885052-A-G.
Other names: c.2182A>G, p.Met728Val (NM_001145795.2, NM_001308293.2, NM_001387404.1); c.*266A>G (NM_001145796.2, NM_001145812.2, NM_001308294.2 and 1 more transcripts); c.*283A>G (NM_001145797.2); short protein forms M728V.
Identifiers: ClinVar variation 2633993 (VCV002633993.5), dbSNP rs753442962, ClinGen allele CA7986448.

ClinVar aggregate classification (germline): Uncertain significance. Review status: criteria provided, multiple submitters, no conflicts (2 of 4 stars). 2 submissions from 2 submitters: Uncertain significance (2). Last evaluated 2026-04-15.

Conditions:
SH2B1-related disorder. Also called: SH2B1-related condition.

Allele frequency attached by ClinVar (database versions not stated): gnomAD exomes 0.00003; gnomAD 0.00005; TOPMed 0.00006; ExAC 0.00011.

Submissions (2):

PreventionGenetics, part of Exact Sciences
Classification: Uncertain significance for SH2B1-related condition. Last evaluated: 2026-04-15. Review status: criteria provided, single submitter. Criteria: ACMG Guidelines, 2015. Collection method: clinical testing. Allele origin: germline.
Comment: The SH2B1 c.2182A>G variant is predicted to result in the amino acid substitution p.Met728Val. To our knowledge, this variant has not been reported in the literature. This variant is reported in 0.049% of alleles in individuals of Latino descent in gnomAD. At this time, the clinical significance of this variant is uncertain due to the absence of conclusive functional and genetic evidence.

Ambry Genetics
Classification: Uncertain significance. Last evaluated: 2024-06-10. Review status: criteria provided, single submitter. Criteria: Ambry Variant Classification Scheme 2023. Collection method: clinical testing. Allele origin: germline.